The following is an entry in ClinVar:

NM_182914.3(SYNE2):c.16874C>T (p.Pro5625Leu)

Gene: SYNE2 (spectrin repeat containing nuclear envelope protein 2; plus strand). Cytogenetic location: 14q23.2.
Variant type: single nucleotide variant.
Coding change: c.16874C>T on transcript NM_182914.3 (MANE Select); coding-DNA position 16874, C replaced by T.
Protein change: p.Pro5625Leu; replaces proline 5625 with leucine.
Molecular consequence: missense variant.
Genome position (GRCh38, 1-based): chr14:64,167,608, C>T. VCF-style: chr14-64167608-C-T. GRCh37 (hg19) VCF-style: chr14-64634326-C-T.
Other names: c.16874C>T, p.Pro5625Leu (NM_015180.6); short protein forms P5625L.
Identifiers: ClinVar variation 4873203 (VCV004873203.2).
Genomic context (GRCh38, chr14:64,167,608, plus strand): 5'-GGATCCAACTTTTGGAGAAGATAGAAGAAGCACTCAAAGTGGATGTGGCTAACAGCCTTC[C>T]TGAGCTCCTGGAGCAGCAGAAAACCTATAAGGTAAACCTGTGTTCTCTGCCACCCTTGAA-3'
Protein context (NP_878918.2, residues 5615-5635): ALKVDVANSL[Pro5625Leu]ELLEQQKTYK

ClinVar aggregate classification (germline): Likely benign (1 of 4 stars; one submission).

gnomAD v4.1: 18 of 1,614,094 alleles (0.0011%); highest among the groups gnomAD compares: Non-Finnish European, 0.0015%; no homozygotes.

Submission:

CeGaT Center for Human Genetics Tuebingen
Classification: Likely benign. Last evaluated: 2026-09-01. Review status: criteria provided, single submitter. Criteria: CeGaT Center For Human Genetics Tuebingen Variant Classification Criteria Version 2. Collection method: clinical testing. Allele origin: germline. Affected: yes. Observed: 1 variant allele.
Comment: SYNE2: BP4